The following is an entry in ClinVar:

NM_020987.5(ANK3):c.9344A>C (p.Lys3115Thr)

Gene: ANK3 (ankyrin 3; minus strand). Cytogenetic location: 10q21.2.
Variant type: single nucleotide variant.
Coding change: c.9344A>C on transcript NM_020987.5 (MANE Select); coding-DNA position 9344, A replaced by C.
Protein change: p.Lys3115Thr; replaces lysine 3115 with threonine.
Molecular consequence: missense variant. On other transcripts: intron variant (4).
Genome position (GRCh38, 1-based): chr10:60,071,537, T>G on the plus strand (A>C on the coding strand, the complement: ANK3 is on the minus strand). VCF-style: chr10-60071537-T-G. GRCh37 (hg19) VCF-style: chr10-61831295-T-G.
Other names: c.4388-3528A>C (NM_001204403.2); c.4409-3528A>C (NM_001204404.2); c.4406-3528A>C (NM_001320874.2); c.1808-3528A>C (NM_001149.4); short protein forms K3115T.
Identifiers: ClinVar variation 2067011 (VCV002067011.1), dbSNP rs148162364, ClinGen allele CA5511399.

ClinVar aggregate classification (germline): Uncertain significance (1 of 4 stars; one submission).

Allele frequency attached by ClinVar (database versions not stated): ExAC 0.00001; TOPMed 0.00001; gnomAD 0.00002; ESP Exome Variant Server 0.00008; gnomAD exomes 0.00008.
gnomAD v4.1: 118 of 1,614,004 alleles (0.0073%); highest among the groups gnomAD compares: Non-Finnish European, 0.0095%; no homozygotes.

Submission:

Labcorp Genetics (formerly Invitae), Labcorp
Classification: Uncertain significance. Last evaluated: 2022-07-14. Review status: criteria provided, single submitter. Criteria: Invitae Variant Classification Sherloc (09022015). Collection method: clinical testing. Allele origin: germline.
Comment: This sequence change replaces lysine, which is basic and polar, with threonine, which is neutral and polar, at codon 3115 of the ANK3 protein (p.Lys3115Thr). This variant is present in population databases (rs148162364, gnomAD 0.004%). This variant has not been reported in the literature in individuals affected with ANK3-related conditions. Algorithms developed to predict the effect of missense changes on protein structure and function are either unavailable or do not agree on the potential impact of this missense change (SIFT: "Not Available"; PolyPhen-2: "Probably Damaging"; Align-GVGD: "Not Available"). In summary, the available evidence is currently insufficient to determine the role of this variant in disease. Therefore, it has been classified as a Variant of Uncertain Significance.